The following is an entry in ClinVar:

ClinVar aggregate classification (germline): Uncertain significance (1 of 4 stars; one submission).

Allele frequency attached by ClinVar (database versions not stated): ExAC 0.00002; gnomAD 0.00002; gnomAD exomes 0.00002.
gnomAD v4.1: 34 of 1,613,236 alleles (0.0021%); highest among the groups gnomAD compares: Non-Finnish European, 0.0027%; no homozygotes.

Submission:

Labcorp Genetics (formerly Invitae), Labcorp
Classification: Uncertain significance. Last evaluated: 2025-05-22. Review status: criteria provided, single submitter. Criteria: Invitae Variant Classification Sherloc (09022015). Collection method: clinical testing. Allele origin: germline.
Comment: This sequence change replaces glutamic acid, which is acidic and polar, with alanine, which is neutral and non-polar, at codon 142 of the DSG1 protein (p.Glu142Ala). This variant is present in population databases (rs775350981, gnomAD 0.006%). This variant has not been reported in the literature in individuals affected with DSG1-related conditions. ClinVar contains an entry for this variant (Variation ID: 1976093). Invitae Evidence Modeling of protein sequence and biophysical properties (such as structural, functional, and spatial information, amino acid conservation, physicochemical variation, residue mobility, and thermodynamic stability) indicates that this missense variant is not expected to disrupt DSG1 protein function with a negative predictive value of 80%. In summary, the available evidence is currently insufficient to determine the role of this variant in disease. Therefore, it has been classified as a Variant of Uncertain Significance.

NM_001942.4(DSG1):c.425A>C (p.Glu142Ala)

Gene: DSG1 (desmoglein 1; plus strand). Cytogenetic location: 18q12.1.
Variant type: single nucleotide variant.
Coding change: c.425A>C on transcript NM_001942.4 (MANE Select); coding-DNA position 425, A replaced by C.
Protein change: p.Glu142Ala; replaces glutamic acid 142 with alanine.
Molecular consequence: missense variant.
Genome position (GRCh38, 1-based): chr18:31,329,944, A>C. VCF-style: chr18-31329944-A-C. GRCh37 (hg19) VCF-style: chr18-28909907-A-C.
Other names: short protein forms E142A.
Identifiers: ClinVar variation 1976093 (VCV001976093.5), dbSNP rs775350981, ClinGen allele CA8925842.